The following is an entry in ClinVar:

ClinVar aggregate classification (germline): Uncertain significance. Review status: criteria provided, multiple submitters, no conflicts (2 of 4 stars). 2 submissions from 2 submitters: Uncertain significance (2). Last evaluated 2024-12-13.

Allele frequency attached by ClinVar (database versions not stated): gnomAD exomes 0.00001; TOPMed 0.00001; ExAC 0.00002; gnomAD 0.00002; 1000 Genomes Project 0.00020; 1000 Genomes Project 30x 0.00031.
gnomAD v4.1: 11 of 1,614,114 alleles (0.00068%); highest among the groups gnomAD compares: East Asian, 0.016%; no homozygotes.

Submissions (2):

GeneDx
Classification: Uncertain significance. Last evaluated: 2024-12-13. Review status: criteria provided, single submitter. Criteria: GeneDx Variant Classification Process June 2021. Collection method: clinical testing. Allele origin: germline. Affected: yes.
Comment: In silico analysis indicates that this missense variant does not alter protein structure/function; Has not been previously published as pathogenic or benign to our knowledge; This variant is associated with the following publications: (PMID: 28369529, 27899666)

Labcorp Genetics (formerly Invitae), Labcorp
Classification: Uncertain significance. Last evaluated: 2024-08-23. Review status: criteria provided, single submitter. Criteria: Invitae Variant Classification Sherloc (09022015). Collection method: clinical testing. Allele origin: germline.
Comment: This sequence change replaces asparagine, which is neutral and polar, with serine, which is neutral and polar, at codon 105 of the SRP72 protein (p.Asn105Ser). This variant is present in population databases (rs543384543, gnomAD 0.03%). This variant has not been reported in the literature in individuals affected with SRP72-related conditions. ClinVar contains an entry for this variant (Variation ID: 1935695). Invitae Evidence Modeling of protein sequence and biophysical properties (such as structural, functional, and spatial information, amino acid conservation, physicochemical variation, residue mobility, and thermodynamic stability) indicates that this missense variant is not expected to disrupt SRP72 protein function with a negative predictive value of 80%. In summary, the available evidence is currently insufficient to determine the role of this variant in disease. Therefore, it has been classified as a Variant of Uncertain Significance.

NM_006947.4(SRP72):c.314A>G (p.Asn105Ser)

Gene: SRP72 (signal recognition particle 72; plus strand). Cytogenetic location: 4q12.
Variant type: single nucleotide variant.
Coding change: c.314A>G on transcript NM_006947.4 (MANE Select); coding-DNA position 314, A replaced by G.
Protein change: p.Asn105Ser; replaces asparagine 105 with serine.
Molecular consequence: missense variant. On other transcripts: non-coding transcript variant (1).
Genome position (GRCh38, 1-based): chr4:56,471,803, A>G. VCF-style: chr4-56471803-A-G. GRCh37 (hg19) VCF-style: chr4-57337969-A-G.
Other names: c.314A>G, p.Asn105Ser (NM_001267722.2); c.314A>G (NM_006947.3); short protein forms N105S.
Identifiers: ClinVar variation 1935695 (VCV001935695.6), dbSNP rs543384543, ClinGen allele CA2931034.
Genomic context (GRCh38, chr4:56,471,803, plus strand): 5'-CATATTGCGAGTACAGGCTGAACAGAATTGAGAATGCCTTGAAGACAATAGAAAGTGCCA[A>G]CCAGCAGACAGACAAACTGAAGGAGCTTTATGGACAAGTGGTAATTACTGCTTTTAAATA-3'
Protein context (NP_008878.3, residues 95-115): ENALKTIESA[Asn105Ser]QQTDKLKELY